The following is an entry in ClinVar:

NM_001349253.2(SCN11A):c.4424G>A (p.Arg1475Lys)

Gene: SCN11A (sodium voltage-gated channel alpha subunit 11; minus strand). Cytogenetic location: 3p22.2.
Variant type: single nucleotide variant.
Coding change: c.4424G>A on transcript NM_001349253.2 (MANE Select); coding-DNA position 4424, G replaced by A.
Protein change: p.Arg1475Lys; replaces arginine 1475 with lysine.
Molecular consequence: missense variant.
Genome position (GRCh38, 1-based): chr3:38,847,646, C>T on the plus strand (G>A on the coding strand, the complement: SCN11A is on the minus strand). VCF-style: chr3-38847646-C-T. GRCh37 (hg19) VCF-style: chr3-38889137-C-T.
Other names: c.4424G>A, p.Arg1475Lys (NM_014139.3); short protein forms R1475K.
Identifiers: ClinVar variation 3754534 (VCV003754534.2).

ClinVar aggregate classification (germline): Uncertain significance (1 of 4 stars; one submission).

Conditions:
Hereditary sensory and autonomic neuropathy type 7. Also called: HSAN VII; Neuropathy, hereditary sensory and autonomic, type VII. Identifiers: Orphanet 391397, MedGen C3809882, MONDO:0014244, OMIM 615548.
Familial episodic pain syndrome with predominantly lower limb involvement. Also called: Episodic pain syndrome, familial, 3. Identifiers: Orphanet 391384, Orphanet 391392, MedGen C3809899, MONDO:0014247, OMIM 615552.

gnomAD v4.1: 1 of 1,614,120 alleles (0.000062%); highest among the groups gnomAD compares: Non-Finnish European, 0.000085%; no homozygotes.

Submission:

Labcorp Genetics (formerly Invitae), Labcorp
Classification: Uncertain significance for Familial episodic pain syndrome with predominantly lower limb involvement; Hereditary sensory and autonomic neuropathy type 7. Last evaluated: 2024-02-09. Review status: criteria provided, single submitter. Criteria: Invitae Variant Classification Sherloc (09022015). Collection method: clinical testing. Allele origin: germline.
Comment: This sequence change replaces arginine, which is basic and polar, with lysine, which is basic and polar, at codon 1475 of the SCN11A protein (p.Arg1475Lys). This variant is not present in population databases (gnomAD no frequency). This variant has not been reported in the literature in individuals affected with SCN11A-related conditions. Advanced modeling of protein sequence and biophysical properties (such as structural, functional, and spatial information, amino acid conservation, physicochemical variation, residue mobility, and thermodynamic stability) performed at Invitae indicates that this missense variant is expected to disrupt SCN11A protein function with a positive predictive value of 80%. In summary, the available evidence is currently insufficient to determine the role of this variant in disease. Therefore, it has been classified as a Variant of Uncertain Significance.